The following is an entry in ClinVar:

ClinVar aggregate classification (germline): Uncertain significance. Review status: criteria provided, multiple submitters, no conflicts (2 of 4 stars). 2 submissions from 2 submitters: Uncertain significance (2). Last evaluated 2024-10-21.

Conditions:
Oculofaciocardiodental syndrome (MCOPS2). Identifiers: Orphanet 2712, MedGen C1846265, MONDO:0010261, OMIM 300166.

Submissions (2):

Labcorp Genetics (formerly Invitae), Labcorp
Classification: Uncertain significance for Oculofaciocardiodental syndrome. Last evaluated: 2024-10-21. Review status: criteria provided, single submitter. Criteria: Invitae Variant Classification Sherloc (09022015). Collection method: clinical testing. Allele origin: germline.
Comment: This sequence change replaces leucine, which is neutral and non-polar, with phenylalanine, which is neutral and non-polar, at codon 245 of the BCOR protein (p.Leu245Phe). This variant is not present in population databases (gnomAD no frequency). This variant has not been reported in the literature in individuals affected with BCOR-related conditions. ClinVar contains an entry for this variant (Variation ID: 1304581). An algorithm developed to predict the effect of missense changes on protein structure and function (PolyPhen-2) suggests that this variant is likely to be tolerated. In summary, the available evidence is currently insufficient to determine the role of this variant in disease. Therefore, it has been classified as a Variant of Uncertain Significance.

GeneDx
Classification: Uncertain significance. Last evaluated: 2021-04-14. Review status: criteria provided, single submitter. Criteria: GeneDx Variant Classification Process June 2021. Collection method: clinical testing. Allele origin: germline. Affected: yes.
Comment: Not observed in large population cohorts (Lek et al., 2016); In silico analysis supports that this missense variant does not alter protein structure/function; Has not been previously published as pathogenic or benign to our knowledge

NM_001123385.2(BCOR):c.733C>T (p.Leu245Phe)

Genes: BCOR (BCL6 corepressor; minus strand), LOC126863239 (MED14-independent group 3 enhancer GRCh37_chrX:39932994-39934193; plus strand). Cytogenetic location: Xp11.4.
Variant type: single nucleotide variant.
Coding change: c.733C>T on transcript NM_001123385.2 (MANE Select); coding-DNA position 733, C replaced by T.
Protein change: p.Leu245Phe; replaces leucine 245 with phenylalanine.
Molecular consequence: missense variant.
Genome position (GRCh38, 1-based): chrX:40,074,613, G>A on the plus strand (C>T on the coding strand, the complement: BCOR is on the minus strand). VCF-style: chrX-40074613-G-A. GRCh37 (hg19) VCF-style: chrX-39933866-G-A.
Other names: c.733C>T, p.Leu245Phe (NM_001123383.2, NM_001123384.2, NM_017745.6); short protein forms L245F.
Identifiers: ClinVar variation 1304581 (VCV001304581.4), dbSNP rs1935693973, ClinGen allele CA412748090.